The following is an entry in ClinVar:

NM_015512.5(DNAH1):c.8492G>T (p.Arg2831Leu)

Gene: DNAH1 (dynein axonemal heavy chain 1; plus strand). Cytogenetic location: 3p21.1.
Variant type: single nucleotide variant.
Coding change: c.8492G>T on transcript NM_015512.5 (MANE Select); coding-DNA position 8492, G replaced by T.
Protein change: p.Arg2831Leu; replaces arginine 2831 with leucine.
Molecular consequence: missense variant.
Genome position (GRCh38, 1-based): chr3:52,384,955, G>T. VCF-style: chr3-52384955-G-T. GRCh37 (hg19) VCF-style: chr3-52418971-G-T.
Other names: short protein forms R2831L.
Identifiers: ClinVar variation 3083409 (VCV003083409.2), dbSNP rs777520631, ClinGen allele CA2435219.

ClinVar aggregate classification (germline): Uncertain significance. Review status: criteria provided, multiple submitters, no conflicts (2 of 4 stars). 2 submissions from 2 submitters: Uncertain significance (2). Last evaluated 2025-07-29.

Conditions:
Spermatogenic failure 18. Identifiers: MedGen C4539783, MONDO:0054615, OMIM 617576.
Ciliary dyskinesia, primary, 37 (CILD37). Also called: CILIARY DYSKINESIA, PRIMARY, 37, WITH OR WITHOUT SITUS INVERSUS. Identifiers: MedGen C4539798, MONDO:0033204, OMIM 617577.

gnomAD v4.1: 13 of 1,613,166 alleles (0.00081%); highest among the groups gnomAD compares: African/African-American, 0.016%; no homozygotes.

Submissions (2):

Labcorp Genetics (formerly Invitae), Labcorp
Classification: Uncertain significance for Ciliary dyskinesia, primary, 37; Spermatogenic failure 18. Last evaluated: 2025-07-29. Review status: criteria provided, single submitter. Criteria: Invitae Variant Classification Sherloc (09022015). Collection method: clinical testing. Allele origin: germline.
Comment: This sequence change replaces arginine, which is basic and polar, with leucine, which is neutral and non-polar, at codon 2831 of the DNAH1 protein (p.Arg2831Leu). This variant is present in population databases (rs777520631, gnomAD 0.02%). This variant has not been reported in the literature in individuals affected with DNAH1-related conditions. ClinVar contains an entry for this variant (Variation ID: 3083409). Invitae Evidence Modeling of protein sequence and biophysical properties (such as structural, functional, and spatial information, amino acid conservation, physicochemical variation, residue mobility, and thermodynamic stability) indicates that this missense variant is expected to disrupt DNAH1 protein function with a positive predictive value of 80%. In summary, the available evidence is currently insufficient to determine the role of this variant in disease. Therefore, it has been classified as a Variant of Uncertain Significance.

Ambry Genetics
Classification: Uncertain significance. Last evaluated: 2024-01-04. Review status: criteria provided, single submitter. Criteria: Ambry Variant Classification Scheme 2023. Collection method: clinical testing. Allele origin: germline.